The following is an entry in ClinVar:

ClinVar aggregate classification (germline): Likely benign. Review status: criteria provided, multiple submitters, no conflicts (2 of 4 stars). 2 submissions from 2 submitters: Likely benign (2). Last evaluated 2023-03-16.

Allele frequency attached by ClinVar (database versions not stated): 1000 Genomes Project 0.00120; 1000 Genomes Project 30x 0.00141; gnomAD 0.00208.
gnomAD v4.1: 5,842 of 1,589,886 alleles (0.37%); highest among the groups gnomAD compares: Non-Finnish European, 0.47%; 14 homozygotes.

Submissions (2):

Blueprint Genetics
Classification: Likely benign. Last evaluated: 2023-03-16. Review status: criteria provided, single submitter. Criteria: ACMG Guidelines, 2015. Collection method: clinical testing. Allele origin: germline.

CeGaT Center for Human Genetics Tuebingen
Classification: Likely benign. Last evaluated: 2022-08-01. Review status: criteria provided, single submitter. Criteria: CeGaT Center For Human Genetics Tuebingen Variant Classification Criteria Version 2. Collection method: clinical testing. Allele origin: germline. Affected: yes. Observed: 2 variant alleles.
Comment: CD40: BS1

NM_001250.6(CD40):c.560-119C>A

Gene: CD40 (CD40 molecule; plus strand). Cytogenetic location: 20q13.12.
Variant type: single nucleotide variant.
Coding change: c.560-119C>A on transcript NM_001250.6 (MANE Select); 119 bases into the intron before coding-DNA position 560, C replaced by A.
Molecular consequence: intron variant. On other transcripts: non-coding transcript variant (1).
Genome position (GRCh38, 1-based): chr20:46,128,019, C>A. VCF-style: chr20-46128019-C-A. GRCh37 (hg19) VCF-style: chr20-44756658-C-A.
Other names: c.600-119C>A (NM_001302753.2); c.560-119C>A (NM_001322421.2, NM_001362758.2); c.498-119C>A (NM_152854.4); c.404-119C>A (NM_001424339.1, NM_001322422.2).
Identifiers: ClinVar variation 2652366 (VCV002652366.25), dbSNP rs190106227, ClinGen allele CA315653910.